The following is an entry in ClinVar:

ClinVar aggregate classification (germline): Pathogenic (1 of 4 stars; one submission).

Conditions:
Rubinstein-Taybi syndrome due to EP300 haploinsufficiency. Also called: EP300-Related Rubinstein-Taybi Syndrome; RUBINSTEIN-TAYBI SYNDROME 2. Identifiers: Orphanet 353284, Orphanet 783, MedGen C3150941, MONDO:0013364, OMIM 613684.

Submission:

Labcorp Genetics (formerly Invitae), Labcorp
Classification: Pathogenic for Rubinstein-Taybi syndrome due to EP300 haploinsufficiency. Last evaluated: 2023-03-20. Review status: criteria provided, single submitter. Criteria: Invitae Variant Classification Sherloc (09022015). Collection method: clinical testing. Allele origin: unknown.
Comment: For these reasons, this variant has been classified as Pathogenic. A similar copy number variant has been observed in individual(s) with clinical features of Rubinstein‚ÄìTaybi syndrome (PMID: 20717166, 20848651). This variant is a gross deletion of the genomic region encompassing exon(s) 24-27 of the EP300 gene. This deletion is out-of-frame, and is expected to create a premature termination codon and result in an absent or disrupted protein product. Loss-of-function variants in EP300 are known to be pathogenic (PMID: 15706485, 24476420).

Literature cited by the submitters: PubMed 20717166; PubMed 20848651; PubMed 15706485; PubMed 24476420.

NC_000022.10:g.(?_41564433)_(41566595_?)del

Gene: EP300 (EP300 lysine acetyltransferase; plus strand). Cytogenetic location: 22q13.2.
Variant type: Deletion.
Identifiers: ClinVar variation 3247940 (VCV003247940.1).